The following is an entry in ClinVar:

ClinVar aggregate classification (germline): Likely pathogenic. Review status: criteria provided, multiple submitters, no conflicts (2 of 4 stars). 3 submissions from 3 submitters: Likely pathogenic (2). 1 of the submissions does not count toward it. Last evaluated 2024-05-02.

Conditions:
Polycystic kidney disease 4 (PKD4). Also called: POLYCYSTIC KIDNEY AND HEPATIC DISEASE 1; POLYCYSTIC KIDNEY DISEASE, INFANTILE, TYPE I; POLYCYSTIC KIDNEY DISEASE 4 WITH OR WITHOUT POLYCYSTIC LIVER DISEASE; PKD3; Autosomal Recessive Polycystic Kidney Disease – PKHD1. Identifiers: MedGen C4540575, MONDO:0033004, OMIM 263200.
Autosomal recessive polycystic kidney disease (ARPKD). Also called: AR polycystic kidney disease. Identifiers: Orphanet 731, Orphanet 8378, MedGen C0085548, MeSH D017044, MONDO:0009889.

Submissions (3):

Natera, Inc.
Classification: Likely pathogenic for Autosomal recessive polycystic kidney disease. Last evaluated: 2024-05-02. Review status: criteria provided, single submitter. Criteria: Natera Variant Classification Schema (03/2026). Collection method: clinical testing. Allele origin: germline.
Comment: The c.6861delA variant in PKHD1 is a frameshift variant predicted to shift the reading frame beginning at codon 2288 and leads to a stop codon 9 codons downstream. This variant is expected to result in nonsense mediated decay, truncation, or a dysfunctional protein product. This variant is rare in the general population with a frequency below the threshold expected for the associated phenotype(s). Given the available evidence, this variant is classified as Likely Pathogenic.

Baylor Genetics
Classification: Likely pathogenic for Polycystic kidney disease 4. Last evaluated: 2023-05-10. Review status: criteria provided, single submitter. Criteria: ACMG Guidelines, 2015. Collection method: clinical testing. Allele origin: unknown.

Counsyl
Classification: Likely pathogenic for Polycystic kidney disease 4. Last evaluated: 2016-11-01. Review status: no assertion criteria provided. Collection method: clinical testing. Allele origin: unknown. Not counted in ClinVar's aggregate classification.

NM_138694.4(PKHD1):c.6861del (p.Asp2288fs)

Gene: PKHD1 (PKHD1 ciliary IPT domain containing fibrocystin/polyductin; minus strand). Cytogenetic location: 6p12.2.
Variant type: Deletion.
Coding change: c.6861del on transcript NM_138694.4 (MANE Select); coding-DNA position 6861, one base deleted (A; older notation c.6861delA).
Protein change: p.Asp2288fs; shifts the reading frame from aspartic acid 2288.
Molecular consequence: frameshift variant.
Genome position (GRCh38, 1-based): chr6:51,903,990, T deleted on the plus strand (A on the coding strand, the reverse complement: PKHD1 is on the minus strand); the first of 3 consecutive T bases (chr6:51,903,990-51,903,992); deleting any one gives the same sequence. VCF-style (leftmost placement, unchanged base first): chr6-51903989-CT-C. GRCh37 (hg19) VCF-style: chr6-51768787-CT-C.
Other names: c.6861del, p.Asp2288fs (NM_170724.3); short protein forms D2288fs.
Identifiers: ClinVar variation 371614 (VCV000371614.5), dbSNP rs760921148, ClinGen allele CA3852152.